The following is an entry in ClinVar:

NM_005546.4(ITK):c.175C>T (p.Arg59Ter)

Gene: ITK (IL2 inducible T cell kinase; plus strand). Cytogenetic location: 5q33.3.
Variant type: single nucleotide variant.
Coding change: c.175C>T on transcript NM_005546.4 (MANE Select); coding-DNA position 175, C replaced by T.
Protein change: p.Arg59Ter; replaces arginine 59 with a stop codon.
Molecular consequence: nonsense.
Genome position (GRCh38, 1-based): chr5:157,208,925, C>T. VCF-style: chr5-157208925-C-T. GRCh37 (hg19) VCF-style: chr5-156635936-C-T.
Other names: short protein forms R59*.
Identifiers: ClinVar variation 4694433 (VCV004694433.1).

ClinVar aggregate classification (germline): Pathogenic (1 of 4 stars; one submission).

Conditions:
Lymphoproliferative syndrome 1 (LPFS1). Identifiers: Orphanet 238505, Orphanet 538963, MedGen C3552634, MONDO:0013081, OMIM 613011.

gnomAD v4.1: 4 of 1,613,872 alleles (0.00025%); highest among the groups gnomAD compares: African/African-American, 0.0013%; no homozygotes.

Submission:

Labcorp Genetics (formerly Invitae), Labcorp
Classification: Pathogenic for Lymphoproliferative syndrome 1. Last evaluated: 2025-04-30. Review status: criteria provided, single submitter. Criteria: Invitae Variant Classification Sherloc (09022015). Collection method: clinical testing. Allele origin: germline.
Comment: This sequence change creates a premature translational stop signal (p.Arg59*) in the ITK gene. It is expected to result in an absent or disrupted protein product. Loss-of-function variants in ITK are known to be pathogenic (PMID: 16860760, 22289921, 26056787). This variant is present in population databases (no rsID available, gnomAD 0.0009%). This variant has not been reported in the literature in individuals affected with ITK-related conditions. For these reasons, this variant has been classified as Pathogenic.

Literature cited by the submitters: PubMed 16860760; PubMed 22289921; PubMed 26056787.